The following is an entry in ClinVar:

NM_173560.4(RFX6):c.1183-6A>C

Gene: RFX6 (regulatory factor X6; plus strand). Cytogenetic location: 6q22.1.
Variant type: single nucleotide variant.
Coding change: c.1183-6A>C on transcript NM_173560.4 (MANE Select); 6 bases into the intron before coding-DNA position 1183, A replaced by C.
Molecular consequence: intron variant.
Genome position (GRCh38, 1-based): chr6:116,920,304, A>C. VCF-style: chr6-116920304-A-C. GRCh37 (hg19) VCF-style: chr6-117241467-A-C.
Identifiers: ClinVar variation 3348916 (VCV003348916.2).

ClinVar aggregate classification (germline): Likely benign. Review status: criteria provided, single submitter (1 of 4 stars). 2 submissions from 2 submitters: Likely benign (1). 1 of the submissions does not count toward it. Last evaluated 2026-01-28.

Conditions:
RFX6-related disorder. Also called: RFX6-related condition.

Submissions (2):

Labcorp Genetics (formerly Invitae), Labcorp
Classification: Likely benign. Last evaluated: 2026-01-28. Review status: criteria provided, single submitter. Criteria: Invitae Variant Classification Sherloc (09022015). Collection method: clinical testing. Allele origin: germline.

PreventionGenetics, part of Exact Sciences
Classification: Likely benign for RFX6-related condition. Last evaluated: 2024-05-10. Review status: no assertion criteria provided. Collection method: clinical testing. Allele origin: germline. Not counted in ClinVar's aggregate classification.
Comment: This variant is classified as likely benign based on ACMG/AMP sequence variant interpretation guidelines (Richards et al. 2015 PMID: 25741868, with internal and published modifications).